The following is an entry in ClinVar:

NM_000540.3(RYR1):c.1122+52T>C

Gene: RYR1 (ryanodine receptor 1; plus strand). Cytogenetic location: 19q13.2.
Variant type: single nucleotide variant.
Coding change: c.1122+52T>C on transcript NM_000540.3 (MANE Select); 52 bases into the intron after coding-DNA position 1122, T replaced by C.
Molecular consequence: intron variant.
Genome position (GRCh38, 1-based): chr19:38,448,865, T>C. VCF-style: chr19-38448865-T-C. GRCh37 (hg19) VCF-style: chr19-38939505-T-C.
Other names: c.1122+52T>C (NM_001042723.2).
Identifiers: ClinVar variation 133008 (VCV000133008.3), dbSNP rs4476278, ClinGen allele CA023897.

ClinVar aggregate classification (germline): Benign. Review status: criteria provided, multiple submitters, no conflicts (2 of 4 stars). 3 submissions from 3 submitters: Benign (2). 1 of the submissions does not count toward it. Last evaluated 2018-06-14.

Allele frequency attached by ClinVar (database versions not stated): gnomAD exomes 0.97826 and 0.98421; ESP Exome Variant Server 0.98267; ExAC 0.98324; gnomAD 0.98612 and 0.98614; TOPMed 0.98743; 1000 Genomes Project 30x 0.99360; 1000 Genomes Project 0.99461.
gnomAD v4.1: 1,532,016 of 1,564,548 alleles (98%); highest among the groups gnomAD compares: East Asian, 100%; 750,180 homozygotes.

Submissions (3):

GeneDx
Classification: Benign. Last evaluated: 2018-06-14. Review status: criteria provided, single submitter. Criteria: GeneDx Variant Classification (06012015). Collection method: clinical testing. Allele origin: germline. Affected: yes.
Comment: This variant is considered likely benign or benign based on one or more of the following criteria: it is a conservative change, it occurs at a poorly conserved position in the protein, it is predicted to be benign by multiple in silico algorithms, and/or has population frequency not consistent with disease.

Breakthrough Genomics
Classification: Benign. Review status: criteria provided, single submitter. Criteria: ACMG Guidelines, 2015. Collection method: not provided. Allele origin: germline. Inheritance: Autosomal recessive inheritance. Affected: yes.

RYR1 database
No classification provided. Review status: no classification provided. Collection method: not provided. Allele origin: unknown. Not counted in ClinVar's aggregate classification.